The following is an entry in ClinVar:

NM_000535.7(PMS2):c.2248G>A (p.Gly750Ser)

Gene: PMS2 (PMS1 homolog 2, mismatch repair system component; minus strand). Cytogenetic location: 7p22.1.
Variant type: single nucleotide variant.
Coding change: c.2248G>A on transcript NM_000535.7 (MANE Select); coding-DNA position 2248, G replaced by A.
Protein change: p.Gly750Ser; replaces glycine 750 with serine.
Molecular consequence: missense variant. On other transcripts: non-coding transcript variant (1).
Genome position (GRCh38, 1-based): chr7:5,978,623, C>T on the plus strand (G>A on the coding strand, the complement: PMS2 is on the minus strand). VCF-style: chr7-5978623-C-T. GRCh37 (hg19) VCF-style: chr7-6018254-C-T.
Other names: c.1843G>A, p.Gly615Ser (NM_001322003.2, NM_001322004.2, NM_001322005.2 and 1 more transcripts); c.2092G>A, p.Gly698Ser (NM_001322006.2); c.1930G>A, p.Gly644Ser (NM_001322007.2, NM_001322008.2); c.1687G>A, p.Gly563Ser (NM_001322010.2); c.1315G>A, p.Gly439Ser (NM_001322011.2, NM_001322012.2); c.1675G>A, p.Gly559Ser (NM_001322013.2); c.2248G>A, p.Gly750Ser (NM_001322014.2); c.1939G>A, p.Gly647Ser (NM_001322015.2); short protein forms G439S, G559S, G563S, G615S, G644S, G647S, G698S, G750S.
Identifiers: ClinVar variation 1057304 (VCV001057304.9), dbSNP rs1781977133, ClinGen allele CA366736568.

ClinVar aggregate classification (germline): Uncertain significance (1 of 4 stars; one submission).

Conditions:
Hereditary nonpolyposis colorectal neoplasms. Identifiers: MedGen C0009405, MeSH D003123.

Submission:

Labcorp Genetics (formerly Invitae), Labcorp
Classification: Uncertain significance for Hereditary nonpolyposis colorectal neoplasms. Last evaluated: 2020-05-05. Review status: criteria provided, single submitter. Criteria: Invitae Variant Classification Sherloc (09022015). Collection method: clinical testing. Allele origin: germline.
Comment: The frequency data for this variant in the population databases (ExAC) is considered unreliable due to the presence of homologous sequence, such as pseudogenes or paralogs, in the genome. In summary, the available evidence is currently insufficient to determine the role of this variant in disease. Therefore, it has been classified as a Variant of Uncertain Significance. This variant disrupts the p.Gly750 amino acid residue in PMS2. Other variant(s) that disrupt this residue have been determined to be pathogenic (PMID: 18602922, 26318770, 30608896, 24027009, 26116798). This suggests that this residue is clinically significant, and that variants that disrupt this residue are likely to be disease-causing. Algorithms developed to predict the effect of missense changes on protein structure and function (SIFT, PolyPhen-2, Align-GVGD) all suggest that this variant is likely to be disruptive, but these predictions have not been confirmed by published functional studies and their clinical significance is uncertain. This variant has been observed in individual(s) with colon cancer (PMID: 31410062). This sequence change replaces glycine with serine at codon 750 of the PMS2 protein (p.Gly750Ser). The glycine residue is highly conserved and there is a small physicochemical difference between glycine and serine.

Literature cited by the submitters: PubMed 18602922; PubMed 26318770; PubMed 30608896; PubMed 24027009; PubMed 26116798; PubMed 31410062.